The following is an entry in ClinVar:

NM_004444.5(EPHB4):c.794A>G (p.Asn265Ser)

Gene: EPHB4 (EPH receptor B4; minus strand). Cytogenetic location: 7q22.1.
Variant type: single nucleotide variant.
Coding change: c.794A>G on transcript NM_004444.5 (MANE Select); coding-DNA position 794, A replaced by G.
Protein change: p.Asn265Ser; replaces asparagine 265 with serine.
Molecular consequence: missense variant.
Genome position (GRCh38, 1-based): chr7:100,822,285, T>C on the plus strand (A>G on the coding strand, the complement: EPHB4 is on the minus strand). VCF-style: chr7-100822285-T-C. GRCh37 (hg19) VCF-style: chr7-100419907-T-C.
Other names: short protein forms N265S.
Identifiers: ClinVar variation 1929685 (VCV001929685.5), dbSNP rs889890364, ClinGen allele CA163287041.

ClinVar aggregate classification (germline): Uncertain significance (1 of 4 stars; one submission).

Allele frequency attached by ClinVar (database versions not stated): gnomAD 0.00001; gnomAD exomes 0.00001; TOPMed 0.00003.
gnomAD v4.1: 14 of 1,562,298 alleles (0.0009%); highest among the groups gnomAD compares: African/African-American, 0.016%; no homozygotes.

Submission:

Labcorp Genetics (formerly Invitae), Labcorp
Classification: Uncertain significance. Last evaluated: 2023-02-04. Review status: criteria provided, single submitter. Criteria: Invitae Variant Classification Sherloc (09022015). Collection method: clinical testing. Allele origin: germline.
Comment: In summary, the available evidence is currently insufficient to determine the role of this variant in disease. Therefore, it has been classified as a Variant of Uncertain Significance. Algorithms developed to predict the effect of missense changes on protein structure and function are either unavailable or do not agree on the potential impact of this missense change (SIFT: "Deleterious"; PolyPhen-2: "Benign"; Align-GVGD: "Class C0"). This variant has not been reported in the literature in individuals affected with EPHB4-related conditions. This variant is present in population databases (no rsID available, gnomAD 0.01%). This sequence change replaces asparagine, which is neutral and polar, with serine, which is neutral and polar, at codon 265 of the EPHB4 protein (p.Asn265Ser).